The following is an entry in ClinVar:

NM_000260.4(MYO7A):c.2467C>T (p.Arg823Cys)

Gene: MYO7A (myosin VIIA; plus strand). Cytogenetic location: 11q13.5.
Variant type: single nucleotide variant.
Coding change: c.2467C>T on transcript NM_000260.4 (MANE Select); coding-DNA position 2467, C replaced by T.
Protein change: p.Arg823Cys; replaces arginine 823 with cysteine.
Molecular consequence: missense variant.
Genome position (GRCh38, 1-based): chr11:77,179,834, C>T. VCF-style: chr11-77179834-C-T. GRCh37 (hg19) VCF-style: chr11-76890880-C-T.
Other names: c.2467C>T, p.Arg823Cys (NM_001127180.2); c.2434C>T, p.Arg812Cys (NM_001369365.1); c.2467C>T (NM_000260.3); short protein forms R812C, R823C.
Identifiers: ClinVar variation 930007 (VCV000930007.17), dbSNP rs995330889, ClinGen allele CA224841035.

ClinVar aggregate classification (germline): Uncertain significance. Review status: criteria provided, multiple submitters, no conflicts (2 of 4 stars). 11 submissions from 9 submitters: Uncertain significance (9). 2 of the submissions do not count toward it. Last evaluated 2024-10-03.

Conditions:
Usher syndrome type 1B (USH1B). Also called: Usher syndrome type IB. Identifiers: MedGen C1848638, MONDO:0700087.
Autosomal recessive nonsyndromic hearing loss 2. Also called: DEAFNESS, AUTOSOMAL RECESSIVE 2; NEUROSENSORY NONSYNDROMIC RECESSIVE DEAFNESS 2. Identifiers: Orphanet 90636, MedGen C1838701, MONDO:0010807, OMIM 600060.
Autosomal dominant nonsyndromic hearing loss 11. Identifiers: Orphanet 90635, MedGen C1832475, MONDO:0011032, OMIM 601317.
Usher syndrome type 1 (USH1). Also called: RETINITIS PIGMENTOSA AND CONGENITAL DEAFNESS. Identifiers: Orphanet 231169, Orphanet 886, MedGen C1568247, MONDO:0010168, OMIM 276900.
MYO7A-related disorder. Also called: MYO7A-related disorders.
Inborn genetic diseases. Identifiers: MedGen C0950123, MeSH D030342.

Allele frequency attached by ClinVar (database versions not stated): gnomAD 0.00001 and 0.00002; TOPMed 0.00003; gnomAD exomes 0.00004.
gnomAD v4.1: 16 of 1,543,568 alleles (0.001%); highest among the groups gnomAD compares: Admixed American, 0.0059%; no homozygotes.

Submissions (11):

Ambry Genetics
Classification: Uncertain significance for Inborn genetic diseases. Last evaluated: 2024-10-03. Review status: criteria provided, single submitter. Criteria: Ambry Variant Classification Scheme 2023. Collection method: clinical testing. Allele origin: germline.

Blueprint Genetics
Classification: Uncertain significance. Last evaluated: 2024-09-02. Review status: criteria provided, single submitter. Criteria: ACMG Guidelines, 2015. Collection method: clinical testing. Allele origin: germline.

Women's Health and Genetics/Laboratory Corporation of America, LabCorp
Classification: Uncertain significance. Last evaluated: 2023-12-04. Review status: criteria provided, single submitter. Criteria: LabCorp Variant Classification Summary - May 2015. Collection method: clinical testing. Allele origin: germline.
Comment: Variant summary: MYO7A c.2467C>T (p.Arg823Cys) results in a non-conservative amino acid change in the encoded protein sequence. Four of five in-silico tools predict a damaging effect of the variant on protein function. The variant allele was found at a frequency of 3.6e-05 in 140516 control chromosomes (gnomAD). The available data on variant occurrences in the general population are insufficient to allow any conclusion about variant significance. To our knowledge, no occurrence of c.2467C>T in individuals affected with Usher Syndrome and no experimental evidence demonstrating its impact on protein function have been reported. Five submitters have cited clinical-significance assessments for this variant to ClinVar after 2014. All submitters classified the variant as uncertain significance. Based on the evidence outlined above, the variant was classified as uncertain significance.

Labcorp Genetics (formerly Invitae), Labcorp
Classification: Uncertain significance. Last evaluated: 2023-11-14. Review status: criteria provided, single submitter. Criteria: Invitae Variant Classification Sherloc (09022015). Collection method: clinical testing. Allele origin: germline.
Comment: This sequence change replaces arginine, which is basic and polar, with cysteine, which is neutral and slightly polar, at codon 823 of the MYO7A protein (p.Arg823Cys). This variant is present in population databases (no rsID available, gnomAD 0.008%). This variant has not been reported in the literature in individuals affected with MYO7A-related conditions. ClinVar contains an entry for this variant (Variation ID: 930007). Advanced modeling of protein sequence and biophysical properties (such as structural, functional, and spatial information, amino acid conservation, physicochemical variation, residue mobility, and thermodynamic stability) performed at Invitae indicates that this missense variant is not expected to disrupt MYO7A protein function with a negative predictive value of 95%. In summary, the available evidence is currently insufficient to determine the role of this variant in disease. Therefore, it has been classified as a Variant of Uncertain Significance.

GeneDx
Classification: Uncertain significance. Last evaluated: 2022-12-20. Review status: criteria provided, single submitter. Criteria: GeneDx Variant Classification Process June 2021. Collection method: clinical testing. Allele origin: germline. Affected: yes.
Comment: In silico analysis supports that this missense variant has a deleterious effect on protein structure/function; Has not been previously published as pathogenic or benign to our knowledge

Genome-Nilou Lab
Classification: Uncertain significance for Autosomal dominant nonsyndromic hearing loss 11. Last evaluated: 2021-07-14. Review status: criteria provided, single submitter. Criteria: ACMG Guidelines, 2015. Collection method: clinical testing. Allele origin: germline. Affected: no.

Genome-Nilou Lab
Classification: Uncertain significance for Autosomal recessive nonsyndromic hearing loss 2. Last evaluated: 2021-07-14. Review status: criteria provided, single submitter. Criteria: ACMG Guidelines, 2015. Collection method: clinical testing. Allele origin: germline. Affected: no.

Genome-Nilou Lab
Classification: Uncertain significance for Usher syndrome type 1. Last evaluated: 2021-07-14. Review status: criteria provided, single submitter. Criteria: ACMG Guidelines, 2015. Collection method: clinical testing. Allele origin: germline. Affected: no.

Laboratory for Molecular Medicine, Mass General Brigham Personalized Medicine
Classification: Uncertain significance. Last evaluated: 2019-05-22. Review status: criteria provided, single submitter. Criteria: LMM Criteria. Collection method: clinical testing. Allele origin: germline. Observed: 1 variant allele.
Comment: The p.Arg823Cys variant in MYO7A has not been previously reported in individuals with hearing loss but has been identified in 7/171898 chromosomes by gnomAD. Computational prediction tools and conservation analysis do not provide strong support for or against an impact to the protein. In summary, the clinical significance of this variant is uncertain. ACMG/AMP Criteria applied: PM2_Supporting.

PreventionGenetics, part of Exact Sciences
Classification: Uncertain significance for MYO7A-related condition. Last evaluated: 2024-08-22. Review status: no assertion criteria provided. Collection method: clinical testing. Allele origin: germline. Not counted in ClinVar's aggregate classification.
Comment: The MYO7A c.2467C>T variant is predicted to result in the amino acid substitution p.Arg823Cys. To our knowledge, this variant has not been reported in the literature. This variant is reported in 0.0079% of alleles in individuals of Latino descent in gnomAD. At this time, the clinical significance of this variant is uncertain due to the absence of conclusive functional and genetic evidence.

Natera, Inc.
Classification: Uncertain significance for Usher syndrome type 1B. Last evaluated: 2020-04-18. Review status: no assertion criteria provided. Collection method: clinical testing. Allele origin: germline. Not counted in ClinVar's aggregate classification.